The following is an entry in ClinVar:

NM_000075.4(CDK4):c.663C>G (p.Asp221Glu)

Genes: CDK4 (cyclin dependent kinase 4; minus strand), TSPAN31 (tetraspanin 31; plus strand). Cytogenetic location: 12q14.1.
Variant type: single nucleotide variant.
Coding change: c.663C>G on transcript NM_000075.4 (MANE Select); coding-DNA position 663, C replaced by G.
Protein change: p.Asp221Glu; replaces aspartic acid 221 with glutamic acid.
Molecular consequence: missense variant. On other transcripts: 3 prime UTR variant (3).
Genome position (GRCh38, 1-based): chr12:57,749,474, G>C on the plus strand (C>G on the coding strand, the complement: CDK4 is on the minus strand). VCF-style: chr12-57749474-G-C. GRCh37 (hg19) VCF-style: chr12-58143257-G-C.
Other names: c.*2184G>C (NM_001330168.2, NM_001330169.2, NM_005981.5); short protein forms D221E.
Identifiers: ClinVar variation 945836 (VCV000945836.10), dbSNP rs1205343806, ClinGen allele CA385544019.

ClinVar aggregate classification (germline): Uncertain significance. Review status: criteria provided, multiple submitters, no conflicts (2 of 4 stars). 2 submissions from 2 submitters: Uncertain significance (2). Last evaluated 2023-11-21.

Conditions:
Familial melanoma. Also called: Hereditary melanoma; Hereditary cutaneous melanoma. Identifiers: Orphanet 618, MedGen C1512419, MONDO:0018961.
Hereditary cancer-predisposing syndrome. Also called: Neoplastic Syndromes, Hereditary; Hereditary Cancer Syndrome; Tumor predisposition; Hereditary neoplastic syndrome. Identifiers: Orphanet 140162, MedGen C0027672, MeSH D009386, MONDO:0015356.

Allele frequency attached by ClinVar (database versions not stated): TOPMed below 0.00001.
gnomAD v4.1: 1 of 1,614,222 alleles (0.000062%); highest among the groups gnomAD compares: Non-Finnish European, 0.000085%; no homozygotes.

Submissions (2):

Ambry Genetics
Classification: Uncertain significance for Hereditary cancer-predisposing syndrome. Last evaluated: 2023-11-21. Review status: criteria provided, single submitter. Criteria: Ambry Variant Classification Scheme 2023. Collection method: clinical testing. Allele origin: germline.
Comment: The p.D221E variant (also known as c.663C>G), located in coding exon 5 of the CDK4 gene, results from a C to G substitution at nucleotide position 663. The aspartic acid at codon 221 is replaced by glutamic acid, an amino acid with highly similar properties. This amino acid position is highly conserved in available vertebrate species. In addition, the in silico prediction for this alteration is inconclusive. Since supporting evidence is limited at this time, the clinical significance of this alteration remains unclear.

Labcorp Genetics (formerly Invitae), Labcorp
Classification: Uncertain significance for Familial melanoma. Last evaluated: 2022-07-16. Review status: criteria provided, single submitter. Criteria: Invitae Variant Classification Sherloc (09022015). Collection method: clinical testing. Allele origin: germline.
Comment: In summary, the available evidence is currently insufficient to determine the role of this variant in disease. Therefore, it has been classified as a Variant of Uncertain Significance. Advanced modeling of protein sequence and biophysical properties (such as structural, functional, and spatial information, amino acid conservation, physicochemical variation, residue mobility, and thermodynamic stability) performed at Invitae indicates that this missense variant is not expected to disrupt CDK4 protein function. ClinVar contains an entry for this variant (Variation ID: 945836). This variant has not been reported in the literature in individuals affected with CDK4-related conditions. This variant is not present in population databases (gnomAD no frequency). This sequence change replaces aspartic acid, which is acidic and polar, with glutamic acid, which is acidic and polar, at codon 221 of the CDK4 protein (p.Asp221Glu).